The following is an entry in ClinVar:

ClinVar aggregate classification (germline): Uncertain significance (1 of 4 stars; one submission).

Conditions:
Alstrom syndrome (ALMS). Identifiers: Orphanet 64, MedGen C0268425, MONDO:0008763, OMIM 203800.

Allele frequency attached by ClinVar (database versions not stated): gnomAD exomes below 0.00001; gnomAD 0.00001.
gnomAD v4.1: 3 of 1,613,774 alleles (0.00019%); highest among the groups gnomAD compares: African/African-American, 0.0027%; no homozygotes.

Submission:

Labcorp Genetics (formerly Invitae), Labcorp
Classification: Uncertain significance for Alstrom syndrome. Last evaluated: 2022-02-21. Review status: criteria provided, single submitter. Criteria: Invitae Variant Classification Sherloc (09022015). Collection method: clinical testing. Allele origin: germline.
Comment: This sequence change replaces leucine, which is neutral and non-polar, with valine, which is neutral and non-polar, at codon 1732 of the ALMS1 protein (p.Leu1732Val). This variant is present in population databases (no rsID available, gnomAD 0.01%). This variant has not been reported in the literature in individuals affected with ALMS1-related conditions. Experimental studies and prediction algorithms are not available or were not evaluated, and the functional significance of this variant is currently unknown. In summary, the available evidence is currently insufficient to determine the role of this variant in disease. Therefore, it has been classified as a Variant of Uncertain Significance.

NM_001378454.1(ALMS1):c.5191C>G (p.Leu1731Val)

Gene: ALMS1 (ALMS1 centrosome and basal body associated protein; plus strand). Cytogenetic location: 2p13.1.
Variant type: single nucleotide variant.
Coding change: c.5191C>G on transcript NM_001378454.1 (MANE Select); coding-DNA position 5191, C replaced by G.
Protein change: p.Leu1731Val; replaces leucine 1731 with valine.
Molecular consequence: missense variant.
Genome position (GRCh38, 1-based): chr2:73,451,718, C>G. VCF-style: chr2-73451718-C-G. GRCh37 (hg19) VCF-style: chr2-73678845-C-G.
Other names: c.5194C>G, p.Leu1732Val (NM_015120.4); short protein forms L1731V, L1732V.
Identifiers: ClinVar variation 2201791 (VCV002201791.1), dbSNP rs1396382889, ClinGen allele CA347280324.